The following is an entry in ClinVar:

ClinVar aggregate classification (germline): Uncertain significance (1 of 4 stars; one submission).

Conditions:
Gingival disorder. Also called: Gingival disease. Identifiers: MedGen C0017563, MONDO:0002021.

Submission:

Labcorp Genetics (formerly Invitae), Labcorp
Classification: Uncertain significance for Gingival disorder. Last evaluated: 2022-08-30. Review status: criteria provided, single submitter. Criteria: Invitae Variant Classification Sherloc (09022015). Collection method: clinical testing. Allele origin: germline.
Comment: In summary, the available evidence is currently insufficient to determine the role of this variant in disease. Therefore, it has been classified as a Variant of Uncertain Significance. Experimental studies and prediction algorithms are not available or were not evaluated, and the functional significance of this variant is currently unknown. This variant has not been reported in the literature in individuals affected with FPR1-related conditions. This variant is not present in population databases (gnomAD no frequency). This sequence change creates a premature translational stop signal (p.Trp132*) in the FPR1 gene. While this is not anticipated to result in nonsense mediated decay, it is expected to disrupt the last 219 amino acid(s) of the FPR1 protein.

NM_002029.4(FPR1):c.396del (p.Val131_Trp132insTer)

Gene: FPR1 (formyl peptide receptor 1; minus strand). Cytogenetic location: 19q13.41.
Variant type: Deletion.
Coding change: c.396del on transcript NM_002029.4 (MANE Select); coding-DNA position 396, one base deleted (G; older notation c.396delG).
Protein change: p.Val131_Trp132insTer.
Molecular consequence: nonsense.
Genome position (GRCh38, 1-based): chr19:51,746,599, C deleted on the plus strand (G on the coding strand, the reverse complement: FPR1 is on the minus strand); the first of 2 consecutive C bases (chr19:51,746,599-51,746,600); deleting either gives the same sequence. VCF-style (leftmost placement, unchanged base first): chr19-51746598-TC-T. GRCh37 (hg19) VCF-style: chr19-52249851-TC-T.
Other names: c.396del, p.Val131_Trp132insTer (NM_001193306.2).
Identifiers: ClinVar variation 2025183 (VCV002025183.4), dbSNP rs2513920562, ClinGen allele CA2576873078.